The following is an entry in ClinVar:

NM_001384140.1(PCDH15):c.3667A>T (p.Ile1223Phe)

Gene: PCDH15 (protocadherin related 15; minus strand). Cytogenetic location: 10q21.1.
Variant type: single nucleotide variant.
Coding change: c.3667A>T on transcript NM_001384140.1 (MANE Select); coding-DNA position 3667, A replaced by T.
Protein change: p.Ile1223Phe; replaces isoleucine 1223 with phenylalanine.
Molecular consequence: missense variant.
Genome position (GRCh38, 1-based): chr10:53,866,692, T>A on the plus strand (A>T on the coding strand, the complement: PCDH15 is on the minus strand). VCF-style: chr10-53866692-T-A. GRCh37 (hg19) VCF-style: chr10-55626452-T-A.
Other names: c.3682A>T, p.Ile1228Phe (NM_001142763.2, NM_001142771.2); c.3667A>T, p.Ile1223Phe (NM_001142764.2, NM_001142766.2, NM_001142770.3 and 4 more transcripts); c.3454A>T, p.Ile1152Phe (NM_001142765.2); c.3556A>T, p.Ile1186Phe (NM_001142767.2); c.3601A>T, p.Ile1201Phe (NM_001142768.2, NM_001142773.2, NM_001354404.2); c.3703A>T, p.Ile1235Phe (NM_001142769.4); c.3688A>T, p.Ile1230Phe (NM_001354411.2); short protein forms I1223F, I1201F, I1186F, I1152F, I1228F, I1230F, I1235F.
Identifiers: ClinVar variation 505266 (VCV000505266.10), dbSNP rs752490775, ClinGen allele CA5505599.
Genomic context (GRCh38, chr10:53,866,692, plus strand): 5'-ATCTACTTACGAGTACATCGGCTTTGCCGCTCAGTCCCTTCCCATAGTCGTCAGTTGCAA[T>A]AACTTGAAACTTGAAGTAGGATCTCCTCATATTATGGAAGAGCATAGCAGTTTTGATAAG-3'
Protein context (NP_001371069.1, residues 1213-1233): MRRSYFKFQV[Ile1223Phe]ATDDYGKGLS

ClinVar aggregate classification (germline): Uncertain significance. Review status: criteria provided, multiple submitters, no conflicts (2 of 4 stars). 4 submissions from 4 submitters: Uncertain significance (3). 1 of the submissions does not count toward it. Last evaluated 2024-01-18.

Conditions:
Usher syndrome type 1F (USH1F). Also called: USHER SYNDROME, TYPE IF. Identifiers: Orphanet 231169, Orphanet 886, MedGen C1865885, MONDO:0011186, OMIM 602083.

Allele frequency attached by ClinVar (database versions not stated): ExAC 0.00001; gnomAD 0.00003 and 0.00004; gnomAD exomes 0.00005 and 0.00009; TOPMed 0.00005.
gnomAD v4.1: 135 of 1,613,538 alleles (0.0084%); highest among the groups gnomAD compares: Admixed American, 0.017%; no homozygotes.

Submissions (4):

Labcorp Genetics (formerly Invitae), Labcorp
Classification: Uncertain significance. Last evaluated: 2024-01-18. Review status: criteria provided, single submitter. Criteria: Invitae Variant Classification Sherloc (09022015). Collection method: clinical testing. Allele origin: germline.
Comment: This sequence change replaces isoleucine, which is neutral and non-polar, with phenylalanine, which is neutral and non-polar, at codon 1223 of the PCDH15 protein (p.Ile1223Phe). This variant is present in population databases (rs752490775, gnomAD 0.02%). This variant has not been reported in the literature in individuals affected with PCDH15-related conditions. ClinVar contains an entry for this variant (Variation ID: 505266). Advanced modeling of protein sequence and biophysical properties (such as structural, functional, and spatial information, amino acid conservation, physicochemical variation, residue mobility, and thermodynamic stability) performed at Invitae indicates that this missense variant is not expected to disrupt PCDH15 protein function with a negative predictive value of 80%. In summary, the available evidence is currently insufficient to determine the role of this variant in disease. Therefore, it has been classified as a Variant of Uncertain Significance.

Blueprint Genetics
Classification: Uncertain significance. Last evaluated: 2023-12-28. Review status: criteria provided, single submitter. Criteria: ACMG Guidelines, 2015. Collection method: clinical testing. Allele origin: germline.

Laboratory for Molecular Medicine, Mass General Brigham Personalized Medicine
Classification: Uncertain significance. Last evaluated: 2016-08-18. Review status: criteria provided, single submitter. Criteria: LMM Criteria. Collection method: clinical testing. Allele origin: germline. Observed: 1 variant allele.
Comment: The p.Ile1223Phe variant in PCDH15 has not been previously reported in individua ls with hearing loss, but has been identified in 1/11454 Latino chromosomes by t he Exome Aggregation Consortium (ExAC; dbSNP rs7 52490775). Although this variant has been seen in the general population, its fr equency is not high enough to rule out a pathogenic role. Computational predicti on tools and conservation analysis do not provide strong support for or against an impact to the protein. In summary, the clinical significance of the p.Ile1223 Phe variant is uncertain.

Natera, Inc.
Classification: Uncertain significance for Usher syndrome type 1F. Last evaluated: 2019-11-11. Review status: no assertion criteria provided. Collection method: clinical testing. Allele origin: germline. Not counted in ClinVar's aggregate classification.